The following is an entry in ClinVar:

ClinVar aggregate classification (germline): Uncertain significance. Review status: criteria provided, multiple submitters, no conflicts (2 of 4 stars). 5 submissions from 5 submitters: Uncertain significance (5). Last evaluated 2025-11-01.

Conditions:
Developmental and epileptic encephalopathy, 42 (DEE42A). Also called: Epileptic encephalopathy, early infantile, 42; DEVELOPMENTAL AND EPILEPTIC ENCEPHALOPATHY 42A; EPILEPTIC ENCEPHALOPATHY, EARLY INFANTILE, 42A. Identifiers: MedGen C4310716, MONDO:0014917, OMIM 617106.
Episodic ataxia type 2 (EA2). Also called: ACETAZOLAMIDE-RESPONSIVE HEREDITARY PAROXYSMAL CEREBELLAR ATAXIA; ATAXIA, EPISODIC, WITH NYSTAGMUS; ATAXIA, FAMILIAL PAROXYSMAL; CEREBELLAR ATAXIA, PAROXYSMAL, ACETAZOLAMIDE-RESPONSIVE; CEREBELLOPATHY, HEREDITARY PAROXYSMAL; EPISODIC ATAXIA, NYSTAGMUS-ASSOCIATED. Identifiers: Orphanet 97, MedGen C1720416, MONDO:0007163, OMIM 108500.

Allele frequency attached by ClinVar (database versions not stated): ExAC 0.00002; gnomAD exomes 0.00001 and 0.00003; TOPMed 0.00001; gnomAD 0.00002.

Submissions (5):

Labcorp Genetics (formerly Invitae), Labcorp
Classification: Uncertain significance for Developmental and epileptic encephalopathy, 42; Episodic ataxia type 2. Last evaluated: 2025-11-01. Review status: criteria provided, single submitter. Criteria: Invitae Variant Classification Sherloc (09022015). Collection method: clinical testing. Allele origin: germline.
Comment: This sequence change replaces arginine, which is basic and polar, with glutamine, which is neutral and polar, at codon 381 of the CACNA1A protein (p.Arg381Gln). This variant is present in population databases (rs772354342, gnomAD 0.003%). This variant has not been reported in the literature in individuals affected with CACNA1A-related conditions. ClinVar contains an entry for this variant (Variation ID: 1002538). Invitae Evidence Modeling of protein sequence and biophysical properties (such as structural, functional, and spatial information, amino acid conservation, physicochemical variation, residue mobility, and thermodynamic stability) indicates that this missense variant is expected to disrupt CACNA1A protein function with a positive predictive value of 95%. In summary, the available evidence is currently insufficient to determine the role of this variant in disease. Therefore, it has been classified as a Variant of Uncertain Significance.

Women's Health and Genetics/Laboratory Corporation of America, LabCorp
Classification: Uncertain significance. Last evaluated: 2025-05-20. Review status: criteria provided, single submitter. Criteria: LabCorp Variant Classification Summary - May 2015. Collection method: clinical testing. Allele origin: germline.
Comment: Variant summary: CACNA1A c.1142G>A (p.Arg381Gln) results in a conservative amino acid change in the encoded protein sequence. Algorithms developed to predict the effect of missense changes on protein structure and function are either unavailable or do not agree on the potential impact of this missense change. The variant allele was found at a frequency of 8e-06 in 249282 control chromosomes. The available data on variant occurrences in the general population are insufficient to allow any conclusion about variant significance. To our knowledge, no occurrence of c.1142G>A in individuals affected with Epileptic Encephalopathy, Early Infantile, 42 and no experimental evidence demonstrating its impact on protein function have been reported. ClinVar contains an entry for this variant (Variation ID: 1002538). Based on the evidence outlined above, the variant was classified as uncertain significance.

GeneDx
Classification: Uncertain significance. Last evaluated: 2023-06-16. Review status: criteria provided, single submitter. Criteria: GeneDx Variant Classification Process June 2021. Collection method: clinical testing. Allele origin: germline. Affected: yes.
Comment: Not observed at significant frequency in large population cohorts (gnomAD); In silico analysis supports that this missense variant has a deleterious effect on protein structure/function; Has not been previously reported as a pathogenic or benign germline variant to our knowledge; This variant is associated with the following publications: (PMID: 27460824, 27397505, 32579932)

Athena Diagnostics
Classification: Uncertain significance. Last evaluated: 2022-01-31. Review status: criteria provided, single submitter. Criteria: Athena Diagnostics Criteria. Collection method: clinical testing. Allele origin: unknown.

Blueprint Genetics
Classification: Uncertain significance. Last evaluated: 2020-06-17. Review status: criteria provided, single submitter. Criteria: ACMG Guidelines, 2015. Collection method: clinical testing. Allele origin: germline.

NM_001127222.2(CACNA1A):c.1142G>A (p.Arg381Gln)

Gene: CACNA1A (calcium voltage-gated channel subunit alpha1 A; minus strand). Cytogenetic location: 19p13.13.
Variant type: single nucleotide variant.
Coding change: c.1142G>A on transcript NM_001127222.2 (MANE Select); coding-DNA position 1142, G replaced by A.
Protein change: p.Arg381Gln; replaces arginine 381 with glutamine.
Molecular consequence: missense variant.
Genome position (GRCh38, 1-based): chr19:13,334,434, C>T on the plus strand (G>A on the coding strand, the complement: CACNA1A is on the minus strand). VCF-style: chr19-13334434-C-T. GRCh37 (hg19) VCF-style: chr19-13445248-C-T.
Other names: c.1142G>A (NM_001127221.1); c.1142G>A, p.Arg381Gln (NM_023035.3, NM_000068.4, NM_001127221.2 and 1 more transcripts); short protein forms R381Q.
Identifiers: ClinVar variation 1002538 (VCV001002538.13), dbSNP rs772354342, ClinGen allele CA9240909.